The following is an entry in ClinVar:

NC_012920.1(MT-TV):m.1628C>T

Gene: MT-TV (mitochondrially encoded tRNA valine; plus strand).
Variant type: single nucleotide variant.
Genome position: chrM-1628-C-T.
Identifiers: ClinVar variation 689838 (VCV000689838.1), dbSNP rs1603218586, ClinGen allele CA913163285.

ClinVar aggregate classification (germline): Likely benign (1 of 4 stars; one submission).

Conditions:
MELAS syndrome (MELAS). Also called: Juvenile myopathy, encephalopathy, lactic acidosis, stroke. Identifiers: Orphanet 550, MedGen C0162671, MONDO:0010789, OMIM 540000.

Submission:

Wong Mito Lab, Molecular and Human Genetics, Baylor College of Medicine
Classification: Likely benign for MELAS syndrome. Last evaluated: 2019-07-12. Review status: criteria provided, single submitter. Criteria: Modified ACMG Guidelines (Unpublished). Collection method: clinical testing. Allele origin: germline.
Comment: The NC_012920.1:m.1628C>T variant in MT-TV gene is interpreted to be a Likely Benign variant based on the modified ACMG guidelines (unpublished). This variant meets the following evidence codes reported in the guidelines: BS1, BP4

Literature cited by the submitters: PubMed 31965079.